The following is an entry in ClinVar:

NM_177438.3(DICER1):c.590CAT[1] (p.Ser198del)

Gene: DICER1 (dicer 1, ribonuclease III; minus strand). Cytogenetic location: 14q32.13.
Variant type: Microsatellite.
Coding change: c.590CAT[1] on transcript NM_177438.3 (MANE Select); one copy of the 3-base unit CAT starting at c.590; the reference has two copies in a row; one copy, 3 bases deleted.
Protein change: p.Ser198del; deletes serine 198.
Molecular consequence: inframe deletion. On other transcripts: inframe indel (3), 5 prime UTR variant (1), non-coding transcript variant (6).
Genome position (GRCh38, 1-based): chr14:95,129,611-95,129,613, ATG deleted on the plus strand (CAT on the coding strand, the reverse complement: DICER1 is on the minus strand); deleting any 3 consecutive bases within chr14:95,129,611-95,129,616 gives the same sequence; the position shown is the placement nearest the transcript's 3' end. VCF-style (leftmost placement, unchanged base first): chr14-95129610-CATG-C. GRCh37 (hg19) VCF-style: chr14-95595947-CATG-C.
Other names: c.590CAT[1], p.Ser198del (NM_001195573.1, NM_001271282.3, NM_001291628.2 and 14 more transcripts); c.590_592CAT[1], p.Ser198del (NM_001395681.1, NM_177438.2); c.308CAT[1], p.Ser104del (NM_001395686.1); c.185CAT[1], p.Ser63del (NM_001395687.1, NM_001395688.1, NM_001395689.1 and 3 more transcripts); c.23CAT[1], p.Ser9del (NM_001395691.1); c.-979CAT[1] (NM_001395697.1); c.593_595delCAT (NM_177438.2); short protein forms S104del, S198del, S63del, S9del.
Identifiers: ClinVar variation 3229443 (VCV003229443.1), dbSNP rs1893776392, ClinGen allele CA2156319046.
Genomic context (GRCh38, chr14:95,129,610, plus strand): 5'-AATTCCTCTGGATCACATTTCCCATTTAAAATGGAAGCAGTTAGTCCCAAAATGCGAGGA[CATG>C]ATGGACAATTTTCACAGAGCTAACATAATAAAAGATACTGACAGTAAAGACTTCATTTTG-3'

ClinVar aggregate classification (germline): Uncertain significance (1 of 4 stars; one submission).

Conditions:
Hereditary cancer-predisposing syndrome. Also called: Neoplastic Syndromes, Hereditary; Tumor predisposition; Hereditary neoplastic syndrome; Hereditary Cancer Syndrome. Identifiers: Orphanet 140162, MedGen C0027672, MeSH D009386, MONDO:0015356.

Submission:

Ambry Genetics
Classification: Uncertain significance for Hereditary cancer-predisposing syndrome. Last evaluated: 2023-09-28. Review status: criteria provided, single submitter. Criteria: Ambry Variant Classification Scheme 2023. Collection method: clinical testing. Allele origin: germline.
Comment: The c.593_595delCAT variant (also known as p.S198del) is located in coding exon 5 of the DICER1 gene. This variant results from an in-frame CAT deletion at nucleotide positions 593 to 595. This results in the in-frame deletion of a serine at codon 198. This amino acid position is not well conserved in available vertebrate species. In addition, this alteration is predicted to be neutral by in silico analysis (Choi Y et al. PLoS ONE. 2012; 7(10):e46688). Since supporting evidence is limited at this time, the clinical significance of this alteration remains unclear.